The following is an entry in ClinVar:

ClinVar aggregate classification (germline): Likely benign. Review status: criteria provided, multiple submitters, no conflicts (2 of 4 stars). 5 submissions from 5 submitters: Likely benign (5). Last evaluated 2025-03-31.

Conditions:
RYR1-related disorder. Also called: RYR1-related disorders; RYR1-related condition. Identifiers: MedGen CN239331.
Malignant hyperthermia, susceptibility to, 1 (MHS1). Also called: Anesthesia related hyperthermia; Malignant hyperpyrexia; Fulminating hyperpyrexia; Pharmacogenic myopathy; RYR1-Related Malignant Hyperthermia Susceptibility; Malignant hyperthermia suceptibility 1. Identifiers: Orphanet 423, MedGen C2930980, MONDO:0007783, OMIM 145600.

Allele frequency attached by ClinVar (database versions not stated): gnomAD 0.00001; TOPMed 0.00002; ExAC 0.00004; ESP Exome Variant Server 0.00015.
gnomAD v4.1: 50 of 1,591,940 alleles (0.0031%); highest among the groups gnomAD compares: Non-Finnish European, 0.0041%; no homozygotes.

Submissions (5):

Labcorp Genetics (formerly Invitae), Labcorp
Classification: Likely benign for RYR1-related disorder. Last evaluated: 2025-03-31. Review status: criteria provided, single submitter. Criteria: Invitae Variant Classification Sherloc (09022015). Collection method: clinical testing. Allele origin: germline.

All of Us Research Program, National Institutes of Health
Classification: Likely benign for Malignant hyperthermia, susceptibility to, 1. Last evaluated: 2024-02-05. Review status: criteria provided, single submitter. Criteria: ACMG Guidelines, 2015. Collection method: clinical testing. Allele origin: germline. Inheritance: Autosomal dominant inheritance. Observed: 5 variant alleles, 5 heterozygotes.
Comment: This study involves interpretation of variants in research participants for the purpose of population health screening. Participant phenotype was not available at the time of variant classification. Additional details can be found in publication PMID: 35346344, PMCID: PMC8962531

CeGaT Center for Human Genetics Tuebingen
Classification: Likely benign. Last evaluated: 2024-02-01. Review status: criteria provided, single submitter. Criteria: CeGaT Center For Human Genetics Tuebingen Variant Classification Criteria Version 2. Collection method: clinical testing. Allele origin: germline. Affected: yes. Observed: 2 variant alleles.
Comment: RYR1: BP4, BP7

Color Diagnostics, LLC DBA Color Health
Classification: Likely benign for Malignant hyperthermia, susceptibility to, 1. Last evaluated: 2022-11-06. Review status: criteria provided, single submitter. Criteria: ACMG Guidelines, 2015. Collection method: clinical testing. Allele origin: germline.

PreventionGenetics, part of Exact Sciences
Classification: Likely benign. Review status: criteria provided, single submitter. Criteria: ACMG Guidelines, 2015. Collection method: clinical testing. Allele origin: germline.

NM_000540.3(RYR1):c.13512C>T (p.Ala4504=)

Gene: RYR1 (ryanodine receptor 1; plus strand). Cytogenetic location: 19q13.2.
Variant type: single nucleotide variant.
Coding change: c.13512C>T on transcript NM_000540.3 (MANE Select); coding-DNA position 13512, C replaced by T.
Protein change: p.Ala4504=; no amino-acid change (alanine 4504 retained).
Molecular consequence: synonymous variant.
Genome position (GRCh38, 1-based): chr19:38,566,985, C>T. VCF-style: chr19-38566985-C-T. GRCh37 (hg19) VCF-style: chr19-39057625-C-T.
Other names: c.13497C>T, p.Ala4499= (NM_001042723.2).
Identifiers: ClinVar variation 256428 (VCV000256428.36), dbSNP rs376229195, ClinGen allele CA059983.